The following is an entry in ClinVar:

NM_000052.7(ATP7A):c.1047T>A (p.Ser349Arg)

Gene: ATP7A (ATPase copper transporting alpha; plus strand). Cytogenetic location: Xq21.1.
Variant type: single nucleotide variant.
Coding change: c.1047T>A on transcript NM_000052.7 (MANE Select); coding-DNA position 1047, T replaced by A.
Protein change: p.Ser349Arg; replaces serine 349 with arginine.
Molecular consequence: missense variant.
Genome position (GRCh38, 1-based): chrX:77,989,669, T>A. VCF-style: chrX-77989669-T-A. GRCh37 (hg19) VCF-style: chrX-77245165-T-A.
Other names: c.1047T>A, p.Ser349Arg (NM_001282224.2); short protein forms S349R.
Identifiers: ClinVar variation 1028028 (VCV001028028.4), dbSNP rs2077658544, ClinGen allele CA413601693.
Genomic context (GRCh38, chrX:77,989,669, plus strand): 5'-ATCCCTGAGAAAAGCAATAGAGGCTGTATCACCGGGGCTATATAGAGTTAGTATCACAAG[T>A]GAAGTTGAGAGTACCTCAAACTCTCCCTCCAGCTCATCTCTTCAGAAGATTCCTTTGAAT-3'
Protein context (NP_000043.4, residues 339-359): SPGLYRVSIT[Ser349Arg]EVESTSNSPS

ClinVar aggregate classification (germline): Uncertain significance. Review status: criteria provided, multiple submitters, no conflicts (2 of 4 stars). 2 submissions from 2 submitters: Uncertain significance (2). Last evaluated 2023-03-27.

Conditions:
X-linked distal spinal muscular atrophy type 3. Also called: SPINAL MUSCULAR ATROPHY, DISTAL, X-LINKED RECESSIVE; NEURONOPATHY, DISTAL HEREDITARY MOTOR, X-LINKED; NEUROPATHY, DISTAL HEREDITARY MOTOR, X-LINKED; ATP7A-Related Distal Motor Neuropathy. Identifiers: Orphanet 139557, MedGen C1845359, MONDO:0010338, OMIM 300489.
Menkes kinky-hair syndrome (MNK). Also called: Classic Menkes Disease; Menkes Disease; Copper transport disease. Identifiers: Orphanet 565, MedGen C0022716, MONDO:0010651, OMIM 309400.
Cutis laxa, X-linked (OHS). Also called: EDS IX; Occipital horn syndrome. Identifiers: Orphanet 198, MedGen C0268353, MONDO:0010572, OMIM 304150.

Submissions (2):

Labcorp Genetics (formerly Invitae), Labcorp
Classification: Uncertain significance for X-linked distal spinal muscular atrophy type 3; Cutis laxa, X-linked; Menkes kinky-hair syndrome. Last evaluated: 2023-03-27. Review status: criteria provided, single submitter. Criteria: Invitae Variant Classification Sherloc (09022015). Collection method: clinical testing. Allele origin: germline.
Comment: In summary, the available evidence is currently insufficient to determine the role of this variant in disease. Therefore, it has been classified as a Variant of Uncertain Significance. Advanced modeling of protein sequence and biophysical properties (such as structural, functional, and spatial information, amino acid conservation, physicochemical variation, residue mobility, and thermodynamic stability) performed at Invitae indicates that this missense variant is not expected to disrupt ATP7A protein function. ClinVar contains an entry for this variant (Variation ID: 1028028). This variant has not been reported in the literature in individuals affected with ATP7A-related conditions. This variant is not present in population databases (gnomAD no frequency). This sequence change replaces serine, which is neutral and polar, with arginine, which is basic and polar, at codon 349 of the ATP7A protein (p.Ser349Arg).

Baylor Genetics
Classification: Uncertain significance for X-linked distal spinal muscular atrophy type 3. Last evaluated: 2019-12-03. Review status: criteria provided, single submitter. Criteria: ACMG Guidelines, 2015. Collection method: clinical testing. Allele origin: unknown. Affected: yes.
Comment: This variant was determined to be of uncertain significance according to ACMG Guidelines, 2015 [PMID:25741868].